The following is an entry in ClinVar:

ClinVar aggregate classification (germline): Likely benign (1 of 4 stars; one submission).

Conditions:
Osteogenesis imperfecta type 7 (OI7). Also called: OSTEOGENESIS IMPERFECTA, TYPE IIB; Osteogenesis imperfecta type 2B; OI type 2B; Osteogenesis imperfecta, perinatal lethal autosomal recessive; OI type IIB; OI type 7. Identifiers: MedGen C1853162, MONDO:0012536, OMIM 610682.

Allele frequency attached by ClinVar (database versions not stated): gnomAD 0.00007 and 0.00036; TOPMed 0.00007; 1000 Genomes Project 30x 0.00234; 1000 Genomes Project 0.00240.

Submission:

Illumina Laboratory Services, Illumina
Classification: Likely benign for Osteogenesis imperfecta type 7. Last evaluated: 2018-01-13. Review status: criteria provided, single submitter. Criteria: ICSL Variant Classification Criteria 13 December 2019. Collection method: clinical testing. Allele origin: germline.
Comment: This variant was observed in the ICSL laboratory as part of a predisposition screen in an ostensibly healthy population. It had not been previously curated by ICSL or reported in the Human Gene Mutation Database (HGMD: prior to June 1st, 2018), and was therefore a candidate for classification through an automated scoring system. Utilizing variant allele frequency, disease prevalence and penetrance estimates, and inheritance mode, an automated score was calculated to assess if this variant is too frequent to cause the disease. Based on the score and internal cut-off values, a variant classified as likely benign is not then subjected to further curation. The score for this variant resulted in a classification of likely benign for this disease.

NM_006371.5(CRTAP):c.*1861A>G

Gene: CRTAP (cartilage associated protein; plus strand). Cytogenetic location: 3p22.3.
Variant type: single nucleotide variant.
Coding change: c.*1861A>G on transcript NM_006371.5 (MANE Select); 1861 bases downstream of the stop codon, A replaced by G.
Molecular consequence: 3 prime UTR variant.
Genome position (GRCh38, 1-based): chr3:33,144,309, A>G. VCF-style: chr3-33144309-A-G. GRCh37 (hg19) VCF-style: chr3-33185801-A-G.
Identifiers: ClinVar variation 901005 (VCV000901005.4), dbSNP rs553553619, ClinGen allele CA72674177.